The following is an entry in ClinVar:

ClinVar aggregate classification (germline): Uncertain significance (1 of 4 stars; one submission).

Conditions:
LAMA2-related muscular dystrophy (LAMA2-RD). Also called: Laminin alpha 2-related dystrophy. Identifiers: MedGen C5679788, MONDO:0100228.

Submission:

Labcorp Genetics (formerly Invitae), Labcorp
Classification: Uncertain significance for LAMA2-related muscular dystrophy. Last evaluated: 2022-08-04. Review status: criteria provided, single submitter. Criteria: Invitae Variant Classification Sherloc (09022015). Collection method: clinical testing. Allele origin: germline.
Comment: Advanced modeling of protein sequence and biophysical properties (such as structural, functional, and spatial information, amino acid conservation, physicochemical variation, residue mobility, and thermodynamic stability) performed at Invitae indicates that this missense variant is expected to disrupt LAMA2 protein function. ClinVar contains an entry for this variant (Variation ID: 1413044). This variant has not been reported in the literature in individuals affected with LAMA2-related conditions. This variant is not present in population databases (gnomAD no frequency). This sequence change replaces cysteine, which is neutral and slightly polar, with phenylalanine, which is neutral and non-polar, at codon 948 of the LAMA2 protein (p.Cys948Phe). In summary, the available evidence is currently insufficient to determine the role of this variant in disease. Therefore, it has been classified as a Variant of Uncertain Significance.

NM_000426.4(LAMA2):c.2843G>T (p.Cys948Phe)

Gene: LAMA2 (laminin subunit alpha 2; plus strand). Cytogenetic location: 6q22.33.
Variant type: single nucleotide variant.
Coding change: c.2843G>T on transcript NM_000426.4 (MANE Select); coding-DNA position 2843, G replaced by T.
Protein change: p.Cys948Phe; replaces cysteine 948 with phenylalanine.
Molecular consequence: missense variant.
Genome position (GRCh38, 1-based): chr6:129,291,707, G>T. VCF-style: chr6-129291707-G-T. GRCh37 (hg19) VCF-style: chr6-129612852-G-T.
Other names: c.2843G>T, p.Cys948Phe (NM_001079823.2); short protein forms C948F.
Identifiers: ClinVar variation 1413044 (VCV001413044.6), dbSNP rs2114432718, ClinGen allele CA365610863.